The following is an entry in ClinVar:

ClinVar aggregate classification (germline): Benign/Likely benign. Review status: criteria provided, multiple submitters, no conflicts (2 of 4 stars). 7 submissions from 7 submitters: Benign (6); Likely benign (1). Last evaluated 2026-02-03.

Conditions:
Hereditary cancer-predisposing syndrome. Also called: Hereditary Cancer Syndrome; Tumor predisposition; Neoplastic Syndromes, Hereditary; Hereditary neoplastic syndrome. Identifiers: Orphanet 140162, MedGen C0027672, MeSH D009386, MONDO:0015356.
Lung cancer. Also called: Malignant tumor of lung; Lung cancer, somatic. Identifiers: MedGen C0242379, MONDO:0008903, OMIM 211980.
EGFR-related lung cancer (EGFR). Identifiers: MedGen CN130014.

Allele frequency attached by ClinVar (database versions not stated): gnomAD exomes 0.00535; ExAC 0.00642; 1000 Genomes Project 0.01917; gnomAD 0.01924; 1000 Genomes Project 30x 0.02077; TOPMed 0.02118; ESP Exome Variant Server 0.02337.
gnomAD v4.1: 6,007 of 1,614,128 alleles (0.37%); highest among the groups gnomAD compares: African/African-American, 7%; 178 homozygotes.

Submissions (7):

Labcorp Genetics (formerly Invitae), Labcorp
Classification: Benign for EGFR-related lung cancer. Last evaluated: 2026-02-03. Review status: criteria provided, single submitter. Criteria: Invitae Variant Classification Sherloc (09022015). Collection method: clinical testing. Allele origin: germline.

ARUP Laboratories, Molecular Genetics and Genomics, ARUP Laboratories
Classification: Benign. Last evaluated: 2025-05-23. Review status: criteria provided, single submitter. Criteria: ARUP Molecular Germline Variant Investigation Process 2024. Collection method: clinical testing. Allele origin: germline.

CeGaT Center for Human Genetics Tuebingen
Classification: Benign. Last evaluated: 2025-05-01. Review status: criteria provided, single submitter. Criteria: CeGaT Center For Human Genetics Tuebingen Variant Classification Criteria Version 2. Collection method: clinical testing. Allele origin: germline. Affected: yes. Observed: 1 variant allele.
Comment: EGFR: BP4, BP7, BS1, BS2

Ambry Genetics
Classification: Benign for Hereditary cancer-predisposing syndrome. Last evaluated: 2024-11-22. Review status: criteria provided, single submitter. Criteria: Ambry Variant Classification Scheme 2023. Collection method: clinical testing. Allele origin: germline.

KCCC/NGS Laboratory, Kuwait Cancer Control Center
Classification: Likely benign for Lung cancer. Last evaluated: 2023-07-07. Review status: criteria provided, single submitter. Criteria: ACMG Guidelines, 2015. Collection method: clinical testing. Allele origin: germline. Affected: yes.

GeneDx
Classification: Benign. Last evaluated: 2019-05-28. Review status: criteria provided, single submitter. Criteria: GeneDx Variant Classification Process June 2021. Collection method: clinical testing. Allele origin: germline. Affected: yes.

Breakthrough Genomics
Classification: Benign. Review status: criteria provided, single submitter. Criteria: ACMG Guidelines, 2015. Collection method: not provided. Allele origin: germline. Inheritance: Autosomal recessive inheritance. Affected: yes.

NM_005228.5(EGFR):c.531G>A (p.Ser177=)

Gene: EGFR (epidermal growth factor receptor; plus strand). Cytogenetic location: 7p11.2.
Variant type: single nucleotide variant.
Coding change: c.531G>A on transcript NM_005228.5 (MANE Select); coding-DNA position 531, G replaced by A.
Protein change: p.Ser177=; no amino-acid change (serine 177 retained).
Molecular consequence: synonymous variant. On other transcripts: intron variant (3).
Genome position (GRCh38, 1-based): chr7:55,146,712, G>A. VCF-style: chr7-55146712-G-A. GRCh37 (hg19) VCF-style: chr7-55214405-G-A.
Other names: c.531G>A (NM_005228.4); c.531G>A, p.Ser177= (NM_001346898.2, NM_201282.2, NM_201283.2 and 1 more transcripts); c.372G>A, p.Ser124= (NM_001346900.2); c.424+3224G>A (NM_001346899.2, NM_001346897.2); c.89-9118G>A (NM_001346941.2).
Identifiers: ClinVar variation 360455 (VCV000360455.27), dbSNP rs17336437, ClinGen allele CA4265241.